The following is an entry in ClinVar:

ClinVar aggregate classification (germline): Uncertain significance (1 of 4 stars; one submission).

Conditions:
Hereditary cancer-predisposing syndrome. Also called: Neoplastic Syndromes, Hereditary; Tumor predisposition; Hereditary Cancer Syndrome; Hereditary neoplastic syndrome. Identifiers: Orphanet 140162, MedGen C0027672, MeSH D009386, MONDO:0015356.

gnomAD v4.1: 7 of 1,614,202 alleles (0.00043%); highest among the groups gnomAD compares: Non-Finnish European, 0.00059%; no homozygotes.

Submission:

Ambry Genetics
Classification: Uncertain significance for Hereditary cancer-predisposing syndrome. Last evaluated: 2025-10-16. Review status: criteria provided, single submitter. Criteria: Ambry Variant Classification Scheme 2023. Collection method: clinical testing. Allele origin: germline.
Comment: The p.Q1587R variant (also known as c.4760A>G), located in coding exon 29 of the ALK gene, results from an A to G substitution at nucleotide position 4760. The glutamine at codon 1587 is replaced by arginine, an amino acid with highly similar properties. This amino acid position is conserved. In addition, this alteration is predicted to be tolerated by in silico analysis. Based on the available evidence, the clinical significance of this variant remains unclear.

NM_004304.5(ALK):c.4760A>G (p.Gln1587Arg)

Gene: ALK (ALK receptor tyrosine kinase; minus strand). Cytogenetic location: 2p23.2.
Variant type: single nucleotide variant.
Coding change: c.4760A>G on transcript NM_004304.5 (MANE Select); coding-DNA position 4760, A replaced by G.
Protein change: p.Gln1587Arg; replaces glutamine 1587 with arginine.
Molecular consequence: missense variant.
Genome position (GRCh38, 1-based): chr2:29,193,327, T>C on the plus strand (A>G on the coding strand, the complement: ALK is on the minus strand). VCF-style: chr2-29193327-T-C. GRCh37 (hg19) VCF-style: chr2-29416193-T-C.
Other names: c.1556A>G, p.Gln519Arg (NM_001353765.2); short protein forms Q519R, Q1587R.
Identifiers: ClinVar variation 4661277 (VCV004661277.1).